The following is an entry in ClinVar:

NM_000368.5(TSC1):c.1735A>G (p.Ser579Gly)

Gene: TSC1 (TSC complex subunit 1; minus strand). Cytogenetic location: 9q34.13.
Variant type: single nucleotide variant.
Coding change: c.1735A>G on transcript NM_000368.5 (MANE Select); coding-DNA position 1735, A replaced by G.
Protein change: p.Ser579Gly; replaces serine 579 with glycine.
Molecular consequence: missense variant.
Genome position (GRCh38, 1-based): chr9:132,905,843, T>C on the plus strand (A>G on the coding strand, the complement: TSC1 is on the minus strand). VCF-style: chr9-132905843-T-C. GRCh37 (hg19) VCF-style: chr9-135781230-T-C.
Other names: c.1732A>G, p.Ser578Gly (NM_001162426.2); c.1582A>G, p.Ser528Gly (NM_001162427.2); c.1372A>G, p.Ser458Gly (NM_001362177.2); short protein forms S458G, S578G, S579G, S528G.
Identifiers: ClinVar variation 942074 (VCV000942074.12), dbSNP rs1845629411, ClinGen allele CA375363902.
Genomic context (GRCh38, chr9:132,905,843, plus strand): 5'-CGCTTCCAAAGCCCACTCTCGTCGGAGGTGGAATTTTACAAGGACTGGGAGTGAAGATAC[T>C]GGTCTCCAAAGAAGTCTGGCATTCCCTGTCTCCCGCAGGGCTTTCATCAGCACTGCCGCA-3'
Protein context (NP_000359.1, residues 569-589): DRECQTSLET[Ser579Gly]IFTPSPCKIP

ClinVar aggregate classification (germline): Conflicting classifications of pathogenicity. Review status: criteria provided, conflicting classifications (1 of 4 stars). 2 submissions from 2 submitters: Uncertain significance (1); Likely benign (1). Last evaluated 2026-07-06.

Conditions:
Hereditary cancer-predisposing syndrome. Also called: Neoplastic Syndromes, Hereditary; Hereditary Cancer Syndrome; Tumor predisposition; Hereditary neoplastic syndrome. Identifiers: Orphanet 140162, MedGen C0027672, MeSH D009386, MONDO:0015356.
Tuberous sclerosis 1 (TSC1). Identifiers: Orphanet 805, MedGen C1854465, MONDO:0008612, OMIM 191100.

Submissions (2):

Ambry Genetics
Classification: Likely benign for Hereditary cancer-predisposing syndrome. Last evaluated: 2026-07-06. Review status: criteria provided, single submitter. Criteria: Ambry Variant Classification Scheme 2023. Collection method: clinical testing. Allele origin: germline.

Labcorp Genetics (formerly Invitae), Labcorp
Classification: Uncertain significance for Tuberous sclerosis 1. Last evaluated: 2025-11-05. Review status: criteria provided, single submitter. Criteria: Invitae Variant Classification Sherloc (09022015). Collection method: clinical testing. Allele origin: germline.
Comment: This sequence change replaces serine, which is neutral and polar, with glycine, which is neutral and non-polar, at codon 579 of the TSC1 protein (p.Ser579Gly). This variant is not present in population databases (gnomAD no frequency). This variant has not been reported in the literature in individuals affected with TSC1-related conditions. ClinVar contains an entry for this variant (Variation ID: 942074). Invitae Evidence Modeling of protein sequence and biophysical properties (such as structural, functional, and spatial information, amino acid conservation, physicochemical variation, residue mobility, and thermodynamic stability) indicates that this missense variant is not expected to disrupt TSC1 protein function with a negative predictive value of 95%. In summary, the available evidence is currently insufficient to determine the role of this variant in disease. Therefore, it has been classified as a Variant of Uncertain Significance.